The following is an entry in ClinVar:

NM_144670.6(A2ML1):c.4208T>C (p.Ile1403Thr)

Gene: A2ML1 (alpha-2-macroglobulin like 1; plus strand). Cytogenetic location: 12p13.31.
Variant type: single nucleotide variant.
Coding change: c.4208T>C on transcript NM_144670.6 (MANE Select); coding-DNA position 4208, T replaced by C.
Protein change: p.Ile1403Thr; replaces isoleucine 1403 with threonine.
Molecular consequence: missense variant.
Genome position (GRCh38, 1-based): chr12:8,869,190, T>C. VCF-style: chr12-8869190-T-C. GRCh37 (hg19) VCF-style: chr12-9021786-T-C.
Other names: c.2735T>C, p.Ile912Thr (NM_001282424.3); short protein forms I1403T, I912T.
Identifiers: ClinVar variation 1738703 (VCV001738703.2), dbSNP rs1286426371, ClinGen allele CA383813161.
Genomic context (GRCh38, chr12:8,869,190, plus strand): 5'-TTCAGCTTCTCCAGCAACCCCTGGTGAAGAAGGTTGAATTTGGAACTGACACACTTAACA[T>C]TTACTTGGATGAGGTAGGTATTCAGGAACCAGATCAAAGAGCTGGATTGCTTACGGATCT-3'
Protein context (NP_653271.3, residues 1393-1413): KVEFGTDTLN[Ile1403Thr]YLDELIKNTQ

ClinVar aggregate classification (germline): Uncertain significance (1 of 4 stars; one submission).

Submission:

Ambry Genetics
Classification: Uncertain significance. Last evaluated: 2022-09-12. Review status: criteria provided, single submitter. Criteria: Ambry Variant Classification Scheme 2023. Collection method: clinical testing. Allele origin: germline.
Comment: The p.I1403T variant (also known as c.4208T>C), located in coding exon 33 of the A2ML1 gene, results from a T to C substitution at nucleotide position 4208. The isoleucine at codon 1403 is replaced by threonine, an amino acid with similar properties. This amino acid position is conserved. In addition, the in silico prediction for this alteration is inconclusive. Since supporting evidence is limited at this time, the clinical significance of this alteration remains unclear.